The following is an entry in ClinVar:

ClinVar aggregate classification (germline): Uncertain significance (1 of 4 stars; one submission).

gnomAD v4.1: 1 of 1,614,222 alleles (0.000062%); highest among the groups gnomAD compares: Non-Finnish European, 0.000085%; no homozygotes.

Submission:

CeGaT Center for Human Genetics Tuebingen
Classification: Uncertain significance. Last evaluated: 2025-08-01. Review status: criteria provided, single submitter. Criteria: CeGaT Center For Human Genetics Tuebingen Variant Classification Criteria Version 2. Collection method: clinical testing. Allele origin: germline. Affected: yes. Observed: 1 variant allele.
Comment: DYSF: PM2, BP4

NM_001130987.2(DYSF):c.2818G>A (p.Ala940Thr)

Gene: DYSF (dysferlin; plus strand). Cytogenetic location: 2p13.2.
Variant type: single nucleotide variant.
Coding change: c.2818G>A on transcript NM_001130987.2 (MANE Select); coding-DNA position 2818, G replaced by A.
Protein change: p.Ala940Thr; replaces alanine 940 with threonine.
Molecular consequence: missense variant.
Genome position (GRCh38, 1-based): chr2:71,568,292, G>A. VCF-style: chr2-71568292-G-A. GRCh37 (hg19) VCF-style: chr2-71795422-G-A.
Other names: c.2767G>A, p.Ala923Thr (NM_001130455.2, NM_001130983.2); c.2722G>A, p.Ala908Thr (NM_001130976.2, NM_001130977.2); c.2764G>A, p.Ala922Thr (NM_001130978.2, NM_003494.4); c.2857G>A, p.Ala953Thr (NM_001130979.2); c.2815G>A, p.Ala939Thr (NM_001130980.2, NM_001130981.2); c.2860G>A, p.Ala954Thr (NM_001130982.2); c.2725G>A, p.Ala909Thr (NM_001130984.2, NM_001130986.2); c.2818G>A, p.Ala940Thr (NM_001130985.2); short protein forms A908T, A909T, A922T, A923T, A939T, A940T, A953T, A954T.
Identifiers: ClinVar variation 4083703 (VCV004083703.8).
Genomic context (GRCh38, chr2:71,568,292, plus strand): 5'-CCCAAGTTTTCTGACGTCACGGGCAAGATCAAGCTACCCAAGGACAGCTTCCGCCCCTCG[G>A]CCGGCTGGACCTGGGCTGGAGATTGGTTCGTGTGTCCGGAGAAGACGTGAGTCGTGGGCA-3'
Protein context (NP_001124459.1, residues 930-950): KLPKDSFRPS[Ala940Thr]GWTWAGDWFV